The following is an entry in ClinVar:

NM_002878.4(RAD51D):c.714C>G (p.Ala238=)

Genes: RAD51D (RAD51 paralog D; minus strand), RAD51L3-RFFL (RAD51L3-RFFL readthrough; minus strand). Cytogenetic location: 17q12.
Variant type: single nucleotide variant.
Coding change: c.714C>G on transcript NM_002878.4 (MANE Select); coding-DNA position 714, C replaced by G.
Protein change: p.Ala238=; no amino-acid change (alanine 238 retained).
Molecular consequence: synonymous variant. On other transcripts: non-coding transcript variant (3).
Genome position (GRCh38, 1-based): chr17:35,103,278, G>C on the plus strand (C>G on the coding strand, the complement: RAD51D is on the minus strand). VCF-style: chr17-35103278-G-C. GRCh37 (hg19) VCF-style: chr17-33430297-G-C.
Other names: c.774C>G, p.Ala258= (NM_001142571.2); c.378C>G, p.Ala126= (NM_133629.3).
Identifiers: ClinVar variation 3903759 (VCV003903759.1).

ClinVar aggregate classification (germline): Benign (1 of 4 stars; one submission).

Conditions:
Breast-ovarian cancer, familial, susceptibility to, 4. Identifiers: Orphanet 145, MedGen C3280345, MONDO:0013669, OMIM 614291.

gnomAD v4.1: 1 of 1,611,350 alleles (0.000062%); highest among the groups gnomAD compares: East Asian, 0.0022%; no homozygotes.

Submission:

Myriad Genetics, Inc.
Classification: Benign for Breast-ovarian cancer, familial, susceptibility to, 4. Last evaluated: 2025-02-24. Review status: criteria provided, single submitter. Criteria: Myriad Autosomal Dominant, Autosomal Recessive and X-Linked Classification Criteria (2023). Collection method: clinical testing. Allele origin: unknown.
Comment: This variant is considered benign. This variant is a silent/synonymous amino acid change and it is not expected to impact splicing.